The following is an entry in ClinVar:

NM_004958.4(MTOR):c.2263C>T (p.Arg755Cys)

Gene: MTOR (mechanistic target of rapamycin kinase; minus strand). Cytogenetic location: 1p36.22.
Variant type: single nucleotide variant.
Coding change: c.2263C>T on transcript NM_004958.4 (MANE Select); coding-DNA position 2263, C replaced by T.
Protein change: p.Arg755Cys; replaces arginine 755 with cysteine.
Molecular consequence: missense variant.
Genome position (GRCh38, 1-based): chr1:11,234,211, G>A on the plus strand (C>T on the coding strand, the complement: MTOR is on the minus strand). VCF-style: chr1-11234211-G-A. GRCh37 (hg19) VCF-style: chr1-11294268-G-A.
Other names: short protein forms R755C.
Identifiers: ClinVar variation 1019970 (VCV001019970.8), dbSNP rs879251235, ClinGen allele CA17936956.

ClinVar aggregate classification (germline): Uncertain significance (1 of 4 stars; one submission).

Allele frequency attached by ClinVar (database versions not stated): gnomAD 0.00001; gnomAD exomes 0.00001 and 0.00002; TOPMed 0.00002.
gnomAD v4.1: 12 of 1,613,956 alleles (0.00074%); highest among the groups gnomAD compares: South Asian, 0.0022%; no homozygotes.

Submission:

Labcorp Genetics (formerly Invitae), Labcorp
Classification: Uncertain significance. Last evaluated: 2025-01-06. Review status: criteria provided, single submitter. Criteria: Invitae Variant Classification Sherloc (09022015). Collection method: clinical testing. Allele origin: germline.
Comment: This sequence change replaces arginine, which is basic and polar, with cysteine, which is neutral and slightly polar, at codon 755 of the MTOR protein (p.Arg755Cys). This variant is present in population databases (no rsID available, gnomAD 0.004%). This variant has not been reported in the literature in individuals affected with MTOR-related conditions. ClinVar contains an entry for this variant (Variation ID: 1019970). Invitae Evidence Modeling of protein sequence and biophysical properties (such as structural, functional, and spatial information, amino acid conservation, physicochemical variation, residue mobility, and thermodynamic stability) indicates that this missense variant is not expected to disrupt MTOR protein function with a negative predictive value of 95%. In summary, the available evidence is currently insufficient to determine the role of this variant in disease. Therefore, it has been classified as a Variant of Uncertain Significance.